The following is an entry in ClinVar:

NM_024642.5(GALNT12):c.1446G>T (p.Met482Ile)

Gene: GALNT12 (polypeptide N-acetylgalactosaminyltransferase 12; plus strand). Cytogenetic location: 9q22.33.
Variant type: single nucleotide variant.
Coding change: c.1446G>T on transcript NM_024642.5 (MANE Select); coding-DNA position 1446, G replaced by T.
Protein change: p.Met482Ile; replaces methionine 482 with isoleucine.
Molecular consequence: missense variant.
Genome position (GRCh38, 1-based): chr9:98,844,197, G>T. VCF-style: chr9-98844197-G-T. GRCh37 (hg19) VCF-style: chr9-101606479-G-T.
Other names: short protein forms M482I.
Identifiers: ClinVar variation 4843091 (VCV004843091.1).

ClinVar aggregate classification (germline): Uncertain significance (1 of 4 stars; one submission).

Submission:

Ambry Genetics
Classification: Uncertain significance. Last evaluated: 2026-01-03. Review status: criteria provided, single submitter. Criteria: Ambry Variant Classification Scheme 2023. Collection method: clinical testing. Allele origin: germline.
Comment: The p.M482I variant (also known as c.1446G>T), located in coding exon 8 of the GALNT12 gene, results from a G to T substitution at nucleotide position 1446. The methionine at codon 482 is replaced by isoleucine, an amino acid with highly similar properties. This amino acid position is conserved. In addition, this alteration is predicted to be tolerated by in silico analysis. Based on the available evidence, the clinical significance of this variant remains unclear.